The following is an entry in ClinVar:

ClinVar aggregate classification (germline): Uncertain significance (1 of 4 stars; one submission).

Conditions:
Familial temporal lobe epilepsy 7. Identifiers: Orphanet 101046, MedGen C4225327, MONDO:0014639, OMIM 616436.
Norman-Roberts syndrome (LIS2). Also called: Lissencephaly 2 (Norman-Roberts type). Identifiers: Orphanet 89844, MedGen C0796089, MONDO:0009760, OMIM 257320.

Allele frequency attached by ClinVar (database versions not stated): TOPMed below 0.00001; gnomAD exomes 0.00001.
gnomAD v4.1: 6 of 1,613,740 alleles (0.00037%); highest among the groups gnomAD compares: Non-Finnish European, 0.00051%; no homozygotes.

Submission:

Labcorp Genetics (formerly Invitae), Labcorp
Classification: Uncertain significance for Familial temporal lobe epilepsy 7; Norman-Roberts syndrome. Last evaluated: 2023-04-12. Review status: criteria provided, single submitter. Criteria: Invitae Variant Classification Sherloc (09022015). Collection method: clinical testing. Allele origin: germline.
Comment: This sequence change replaces histidine, which is basic and polar, with tyrosine, which is neutral and polar, at codon 1325 of the RELN protein (p.His1325Tyr). This variant is not present in population databases (gnomAD no frequency). This variant has not been reported in the literature in individuals affected with RELN-related conditions. Advanced modeling of protein sequence and biophysical properties (such as structural, functional, and spatial information, amino acid conservation, physicochemical variation, residue mobility, and thermodynamic stability) performed at Invitae indicates that this missense variant is not expected to disrupt RELN protein function. In summary, the available evidence is currently insufficient to determine the role of this variant in disease. Therefore, it has been classified as a Variant of Uncertain Significance.

NM_005045.4(RELN):c.3973C>T (p.His1325Tyr)

Gene: RELN (reelin; minus strand). Cytogenetic location: 7q22.1.
Variant type: single nucleotide variant.
Coding change: c.3973C>T on transcript NM_005045.4 (MANE Select); coding-DNA position 3973, C replaced by T.
Protein change: p.His1325Tyr; replaces histidine 1325 with tyrosine.
Molecular consequence: missense variant.
Genome position (GRCh38, 1-based): chr7:103,589,768, G>A on the plus strand (C>T on the coding strand, the complement: RELN is on the minus strand). VCF-style: chr7-103589768-G-A. GRCh37 (hg19) VCF-style: chr7-103230215-G-A.
Other names: c.3973C>T, p.His1325Tyr (NM_173054.3); short protein forms H1325Y.
Identifiers: ClinVar variation 2930515 (VCV002930515.3), dbSNP rs1428529923, ClinGen allele CA368756298.
Genomic context (GRCh38, chr7:103,589,768, plus strand): 5'-TGCCTGCAGAAGCCGGGTAACAGCCTTCTTTCACCAGAAACCAGGACATACCAGCATCAT[G>A]AGAGTACTGAAGAAGAACTGGAGCAGTACTGCTGAATTGATTGGCACAACCTATGTTTAG-3'
Protein context (NP_005036.2, residues 1315-1335): STAPVLLQYS[His1325Tyr]DAGMSWFLVK